The following is an entry in ClinVar:

ClinVar aggregate classification (germline): Uncertain significance (1 of 4 stars; one submission).

Conditions:
KAT6B-related disorder. Also called: KAT6B-related disorders; KAT6B-related condition.

Submission:

PreventionGenetics, part of Exact Sciences
Classification: Uncertain significance for KAT6B-related condition. Last evaluated: 2023-09-22. Review status: criteria provided, single submitter. Criteria: ACMG Guidelines, 2015. Collection method: clinical testing. Allele origin: germline.
Comment: The KAT6B c.846+1G>C variant is predicted to disrupt the GT donor site and interfere with normal splicing. To our knowledge, this variant has not been reported in the literature or in a large population database, indicating this variant is rare. Although we suspect that this variant may be pathogenic, at this time, the clinical significance of this variant is uncertain due to the absence of conclusive functional and genetic evidence.

NM_012330.4(KAT6B):c.846+1G>C

Gene: KAT6B (lysine acetyltransferase 6B; plus strand). Cytogenetic location: 10q22.2.
Variant type: single nucleotide variant.
Coding change: c.846+1G>C on transcript NM_012330.4 (MANE Select); the canonical splice donor site of the intron after coding-DNA position 846, G replaced by C.
Molecular consequence: splice donor variant. On other transcripts: intron variant (2).
Genome position (GRCh38, 1-based): chr10:74,969,776, G>C. VCF-style: chr10-74969776-G-C. GRCh37 (hg19) VCF-style: chr10-76729534-G-C.
Other names: c.846+1G>C (NM_001370139.1, NM_001370136.1, NM_001370138.1 and 10 more transcripts); c.193-9448G>C (NM_001370134.1); c.192+9698G>C (NM_001370135.1).
Identifiers: ClinVar variation 2630680 (VCV002630680.1), dbSNP rs2548921302, ClinGen allele CA377282143.
Genomic context (GRCh38, chr10:74,969,776, plus strand): 5'-AGGTGGCAGTGCATCGAATGCAAGACATGCAGTGCCTGTAGAGTCCAAGGCAGAAATGCT[G>C]TAAGTATGGCTCCCGTAATCCGCCTCCAGGTAACTCGCTAATTTCCAGTGTTAAGGTGTT-3'